The following is an entry in ClinVar:

NM_198578.4(LRRK2):c.3615C>G (p.Ser1205Arg)

Gene: LRRK2 (leucine rich repeat kinase 2; plus strand). Cytogenetic location: 12q12.
Variant type: single nucleotide variant.
Coding change: c.3615C>G on transcript NM_198578.4 (MANE Select); coding-DNA position 3615, C replaced by G.
Protein change: p.Ser1205Arg; replaces serine 1205 with arginine.
Molecular consequence: missense variant.
Genome position (GRCh38, 1-based): chr12:40,303,972, C>G. VCF-style: chr12-40303972-C-G. GRCh37 (hg19) VCF-style: chr12-40697774-C-G.
Other names: short protein forms S1205R.
Identifiers: ClinVar variation 883595 (VCV000883595.6), dbSNP rs1944717503, ClinGen allele CA384416571.

ClinVar aggregate classification (germline): Uncertain significance. Review status: criteria provided, multiple submitters, no conflicts (2 of 4 stars). 2 submissions from 2 submitters: Uncertain significance (2). Last evaluated 2022-10-05.

Conditions:
Inborn genetic diseases. Identifiers: MedGen C0950123, MeSH D030342.
Autosomal dominant Parkinson disease 8. Also called: Parkinson disease 8, susceptibility to; LRRK2-Related Parkinson Disease; Parkinson disease 8. Identifiers: Orphanet 411602, MedGen C1846862, MONDO:0011764, OMIM 607060.

Submissions (2):

Ambry Genetics
Classification: Uncertain significance for Inborn genetic diseases. Last evaluated: 2022-10-05. Review status: criteria provided, single submitter. Criteria: Ambry Variant Classification Scheme 2023. Collection method: clinical testing. Allele origin: germline.
Comment: The p.S1205R variant (also known as c.3615C>G), located in coding exon 27 of the LRRK2 gene, results from a C to G substitution at nucleotide position 3615. The serine at codon 1205 is replaced by arginine, an amino acid with dissimilar properties. This amino acid position is conserved. In addition, this alteration is predicted to be tolerated by in silico analysis. Since supporting evidence is limited at this time, the clinical significance of this alteration remains unclear.

Illumina Laboratory Services, Illumina
Classification: Uncertain significance for Autosomal dominant Parkinson disease 8. Last evaluated: 2017-04-27. Review status: criteria provided, single submitter. Criteria: ICSL Variant Classification Criteria 13 December 2019. Collection method: clinical testing. Allele origin: germline.